The following is an entry in ClinVar:

NM_001298.3(CNGA3):c.1065T>G (p.Ser355Arg)

Gene: CNGA3 (cyclic nucleotide gated channel subunit alpha 3; plus strand). Cytogenetic location: 2q11.2.
Variant type: single nucleotide variant.
Coding change: c.1065T>G on transcript NM_001298.3 (MANE Select); coding-DNA position 1065, T replaced by G.
Protein change: p.Ser355Arg; replaces serine 355 with arginine.
Molecular consequence: missense variant.
Genome position (GRCh38, 1-based): chr2:98,396,235, T>G. VCF-style: chr2-98396235-T-G. GRCh37 (hg19) VCF-style: chr2-99012698-T-G.
Other names: c.1011T>G, p.Ser337Arg (NM_001079878.2); short protein forms S355R, S337R.
Identifiers: ClinVar variation 1511338 (VCV001511338.12), dbSNP rs1277409725, ClinGen allele CA347832756.
Genomic context (GRCh38, chr2:98,396,235, plus strand): 5'-GGTCTACCCAAACATCTCAATCCCAGAGCATGGGCGCCTCTCCAGGAAGTACATTTACAG[T>G]CTCTACTGGTCCACCTTGACCCTTACCACCATTGGTGAGACCCCACCCCCCGTGAAAGAT-3'
Protein context (NP_001289.1, residues 345-365): HGRLSRKYIY[Ser355Arg]LYWSTLTLTT

ClinVar aggregate classification (germline): Conflicting classifications of pathogenicity. Review status: criteria provided, conflicting classifications (1 of 4 stars). 3 submissions from 3 submitters: Pathogenic (1); Uncertain significance (2). Last evaluated 2025-07-10.

Allele frequency attached by ClinVar (database versions not stated): gnomAD exomes below 0.00001; gnomAD 0.00001; TOPMed 0.00001.
gnomAD v4.1: 2 of 1,613,852 alleles (0.00012%); highest among the groups gnomAD compares: Non-Finnish European, 0.00017%; no homozygotes.

Submissions (3):

Women's Health and Genetics/Laboratory Corporation of America, LabCorp
Classification: Uncertain significance. Last evaluated: 2025-07-10. Review status: criteria provided, single submitter. Criteria: LabCorp Variant Classification Summary - May 2015. Collection method: clinical testing. Allele origin: germline.
Comment: Variant summary: CNGA3 c.1065T>G (p.Ser355Arg) results in a non-conservative amino acid change in the encoded protein sequence. Algorithms developed to predict the effect of missense changes on protein structure and function all suggest that this variant is likely to be disruptive. The variant was absent in 251396 control chromosomes. The available data on variant occurrences in the general population are insufficient to allow any conclusion about variant significance. c.1065T>G has been observed in at least 1 individual(s) affected with clinical features of CNGA3-related conditions (Labcorp Genetics (formerly Invitae)). These data do not allow any conclusion about variant significance. A different variant located at the same codon (c.1063A>G, p.Ser355Gly) has been classified as Pathogenic in ClinVar, providing supporting evidence for the relevance of codon 355 to CNGA3 protein function. To our knowledge, no experimental evidence demonstrating an impact on protein function has been reported. ClinVar contains an entry for this variant (Variation ID: 1511338). Based on the evidence outlined above, the variant was classified as VUS-possibly pathogenic.

Labcorp Genetics (formerly Invitae), Labcorp
Classification: Pathogenic. Last evaluated: 2025-03-31. Review status: criteria provided, single submitter. Criteria: Invitae Variant Classification Sherloc (09022015). Collection method: clinical testing. Allele origin: germline.
Comment: This sequence change replaces serine, which is neutral and polar, with arginine, which is basic and polar, at codon 355 of the CNGA3 protein (p.Ser355Arg). This variant is not present in population databases (gnomAD no frequency). This missense change has been observed in individual(s) with cone-rod dystrophy (internal data). In at least one individual the data is consistent with being in trans (on the opposite chromosome) from a pathogenic variant. ClinVar contains an entry for this variant (Variation ID: 1511338). Invitae Evidence Modeling of protein sequence and biophysical properties (such as structural, functional, and spatial information, amino acid conservation, physicochemical variation, residue mobility, and thermodynamic stability) indicates that this missense variant is expected to disrupt CNGA3 protein function with a positive predictive value of 95%. This variant disrupts the p.Ser355 amino acid residue in CNGA3. Other variant(s) that disrupt this residue have been determined to be pathogenic (PMID: 35332618; internal data). This suggests that this residue is clinically significant, and that variants that disrupt this residue are likely to be disease-causing. For these reasons, this variant has been classified as Pathogenic.

Blueprint Genetics
Classification: Uncertain significance. Last evaluated: 2021-09-17. Review status: criteria provided, single submitter. Criteria: ACMG Guidelines, 2015. Collection method: clinical testing. Allele origin: germline.

Literature cited by the submitters: PubMed 35332618 (cited by Labcorp Genetics (formerly Invitae), Labcorp).